The following is an entry in ClinVar:

ClinVar aggregate classification (germline): Uncertain significance (1 of 4 stars; one submission).

Submission:

Labcorp Genetics (formerly Invitae), Labcorp
Classification: Uncertain significance. Last evaluated: 2022-09-06. Review status: criteria provided, single submitter. Criteria: Invitae Variant Classification Sherloc (09022015). Collection method: clinical testing. Allele origin: germline.
Comment: This sequence change replaces asparagine, which is neutral and polar, with threonine, which is neutral and polar, at codon 378 of the TRAF3IP1 protein (p.Asn378Thr). In summary, the available evidence is currently insufficient to determine the role of this variant in disease. Therefore, it has been classified as a Variant of Uncertain Significance. Algorithms developed to predict the effect of missense changes on protein structure and function (SIFT, PolyPhen-2, Align-GVGD) all suggest that this variant is likely to be tolerated. ClinVar contains an entry for this variant (Variation ID: 1379959). This variant has not been reported in the literature in individuals affected with TRAF3IP1-related conditions. This variant is not present in population databases (gnomAD no frequency).

NM_015650.4(TRAF3IP1):c.1133A>C (p.Asn378Thr)

Gene: TRAF3IP1 (TRAF3 interacting protein 1; plus strand). Cytogenetic location: 2q37.3.
Variant type: single nucleotide variant.
Coding change: c.1133A>C on transcript NM_015650.4 (MANE Select); coding-DNA position 1133, A replaced by C.
Protein change: p.Asn378Thr; replaces asparagine 378 with threonine.
Molecular consequence: missense variant. On other transcripts: intron variant (1).
Genome position (GRCh38, 1-based): chr2:238,338,431, A>C. VCF-style: chr2-238338431-A-C. GRCh37 (hg19) VCF-style: chr2-239247072-A-C.
Other names: c.1063+4396A>C (NM_001139490.1); short protein forms N378T.
Identifiers: ClinVar variation 1379959 (VCV001379959.6), dbSNP rs1459804857, ClinGen allele CA351249456.
Genomic context (GRCh38, chr2:238,338,431, plus strand): 5'-AGGATAATATTTCAGCTAAAAGTTTAGACTCCATAGTGTCTGGAATAAATAATGAGCCAA[A>C]TCAGGAAACGACAACATCAGAAATAGGTAAGAAAAATATATTCTTTAGTTTAAATTCCTC-3'
Protein context (NP_056465.2, residues 368-388): SIVSGINNEP[Asn378Thr]QETTTSEIGT